The following is an entry in ClinVar:

NM_000533.5(PLP1):c.583G>T (p.Ala195Ser)

Genes: PLP1 (proteolipid protein 1; plus strand), RAB9B (RAB9B, member RAS oncogene family; minus strand). Cytogenetic location: Xq22.2.
Variant type: single nucleotide variant.
Coding change: c.583G>T on transcript NM_000533.5 (MANE Select); coding-DNA position 583, G replaced by T.
Protein change: p.Ala195Ser; replaces alanine 195 with serine.
Molecular consequence: missense variant.
Genome position (GRCh38, 1-based): chrX:103,787,927, G>T. VCF-style: chrX-103787927-G-T. GRCh37 (hg19) VCF-style: chrX-103042856-G-T.
Other names: c.583G>T, p.Ala195Ser (NM_001128834.3); c.418G>T, p.Ala140Ser (NM_001305004.1); c.478G>T, p.Ala160Ser (NM_199478.3); short protein forms A140S, A195S, A160S.
Identifiers: ClinVar variation 2093685 (VCV002093685.4), dbSNP rs2522315060, ClinGen allele CA414104007.
Genomic context (GRCh38, chrX:103,787,927, plus strand): 5'-TACATTTACTTCAACACCTGGACCACCTGCCAGTCTATTGCCTTCCCCAGCAAGACCTCT[G>T]CCAGTATAGGCAGTCTCTGTGCTGATGCCAGAATGTATGGTGAGTTAGGGTACGGGTGCT-3'
Protein context (NP_000524.3, residues 185-205): QSIAFPSKTS[Ala195Ser]SIGSLCADAR

ClinVar aggregate classification (germline): Uncertain significance (1 of 4 stars; one submission).

Conditions:
Hereditary spastic paraplegia 2 (SPG2). Also called: SPASTIC PARAPLEGIA 2, X-LINKED; Spastic Paraplegia 2 (SPG2). Identifiers: Orphanet 99015, MedGen C0751604, MONDO:0010733, OMIM 312920.

Submission:

Labcorp Genetics (formerly Invitae), Labcorp
Classification: Uncertain significance for Hereditary spastic paraplegia 2. Last evaluated: 2025-05-19. Review status: criteria provided, single submitter. Criteria: Invitae Variant Classification Sherloc (09022015). Collection method: clinical testing. Allele origin: germline.
Comment: This sequence change replaces alanine, which is neutral and non-polar, with serine, which is neutral and polar, at codon 195 of the PLP1 protein (p.Ala195Ser). This variant is not present in population databases (gnomAD no frequency). This variant has not been reported in the literature in individuals affected with PLP1-related conditions. ClinVar contains an entry for this variant (Variation ID: 2093685). Invitae Evidence Modeling of protein sequence and biophysical properties (such as structural, functional, and spatial information, amino acid conservation, physicochemical variation, residue mobility, and thermodynamic stability) indicates that this missense variant is not expected to disrupt PLP1 protein function with a negative predictive value of 80%. In summary, the available evidence is currently insufficient to determine the role of this variant in disease. Therefore, it has been classified as a Variant of Uncertain Significance.